The following is an entry in ClinVar:

ClinVar aggregate classification (germline): Pathogenic (1 of 4 stars; one submission).

Submission:

Labcorp Genetics (formerly Invitae), Labcorp
Classification: Pathogenic. Last evaluated: 2025-03-17. Review status: criteria provided, single submitter. Criteria: Invitae Variant Classification Sherloc (09022015). Collection method: clinical testing. Allele origin: germline.
Comment: This sequence change creates a premature translational stop signal (p.Tyr3335*) in the FAT4 gene. It is expected to result in an absent or disrupted protein product. Loss-of-function variants in FAT4 are known to be pathogenic (PMID: 24056717, 24913602). This variant is not present in population databases (gnomAD no frequency). This variant has not been reported in the literature in individuals affected with FAT4-related conditions. ClinVar contains an entry for this variant (Variation ID: 2106120). For these reasons, this variant has been classified as Pathogenic.

Literature cited by the submitters: PubMed 24056717; PubMed 24913602.

NM_001291303.3(FAT4):c.10011T>G (p.Tyr3337Ter)

Gene: FAT4 (FAT atypical cadherin 4; plus strand). Cytogenetic location: 4q28.1.
Variant type: single nucleotide variant.
Coding change: c.10011T>G on transcript NM_001291303.3 (MANE Select); coding-DNA position 10011, T replaced by G.
Protein change: p.Tyr3337Ter; replaces tyrosine 3337 with a stop codon.
Molecular consequence: nonsense.
Genome position (GRCh38, 1-based): chr4:125,451,021, T>G. VCF-style: chr4-125451021-T-G. GRCh37 (hg19) VCF-style: chr4-126372176-T-G.
Other names: c.10011T>G, p.Tyr3337Ter (NM_001291285.3); c.10005T>G, p.Tyr3335Ter (NM_024582.6); short protein forms Y3335*, Y3337*.
Identifiers: ClinVar variation 2106120 (VCV002106120.4), dbSNP rs2530907604, ClinGen allele CA358156947.
Genomic context (GRCh38, chr4:125,451,021, plus strand): 5'-TATTGTTGGAGAAGTGTTTGCTAGCGACCGTGATTTGGGCACTGATGGGGAGGTACACTA[T>G]TTGATTTTTGGTAATAGTCGAAAGAAGGGTTTCCAGATCAATAAGAAGACTGGACAGATT-3'